The following is an entry in ClinVar:

NM_005120.3(MED12):c.1364G>A (p.Arg455Gln)

Genes: MED12 (mediator complex subunit 12; plus strand), LOC126863275 (BRD4-independent group 4 enhancer GRCh37_chrX:70342400-70343599; plus strand). Cytogenetic location: Xq13.1.
Variant type: single nucleotide variant.
Coding change: c.1364G>A on transcript NM_005120.3 (MANE Select); coding-DNA position 1364, G replaced by A.
Protein change: p.Arg455Gln; replaces arginine 455 with glutamine.
Molecular consequence: missense variant.
Genome position (GRCh38, 1-based): chrX:71,122,753, G>A. VCF-style: chrX-71122753-G-A. GRCh37 (hg19) VCF-style: chrX-70342603-G-A.
Other names: short protein forms R455Q.
Identifiers: ClinVar variation 937660 (VCV000937660.13), dbSNP rs760696164, ClinGen allele CA330976184.
Genomic context (GRCh38, chrX:71,122,753, plus strand): 5'-CACCGGGCCTCTGGTTCAGTCCCCTTTACCACTTTTCCTCCTTAGGCTTCACCATTGGAC[G>A]GGTACTTCATACTTTGGAAGTGCTGGACAGCCATAGTTTTGAACGCTCTGACTTCAGCAA-3'
Protein context (NP_005111.2, residues 445-465): QEATAGFTIG[Arg455Gln]VLHTLEVLDS

ClinVar aggregate classification (germline): Conflicting classifications of pathogenicity. Review status: criteria provided, conflicting classifications (1 of 4 stars). 3 submissions from 3 submitters: Uncertain significance (2); Likely benign (1). Last evaluated 2025-04-21.

Conditions:
Familial thoracic aortic aneurysm and aortic dissection (TAAD). Also called: Thoracic aortic aneurysms and dissections. Identifiers: Orphanet 91387, MedGen C4707243, MONDO:0019625.
FG syndrome (FGS). Identifiers: MedGen C0220769, MONDO:0002010.

Allele frequency attached by ClinVar (database versions not stated): TOPMed 0.00001; gnomAD exomes 0.00002; gnomAD 0.00004 and 0.00005; 1000 Genomes Project 30x 0.00021; 1000 Genomes Project 0.00026.
gnomAD v4.1: 28 of 1,209,977 alleles (0.0023%); highest among the groups gnomAD compares: Middle Eastern, 0.023%; no homozygotes.

Submissions (3):

Labcorp Genetics (formerly Invitae), Labcorp
Classification: Likely benign for FG syndrome. Last evaluated: 2025-04-21. Review status: criteria provided, single submitter. Criteria: Invitae Variant Classification Sherloc (09022015). Collection method: clinical testing. Allele origin: germline.

GeneDx
Classification: Uncertain significance. Last evaluated: 2022-03-25. Review status: criteria provided, single submitter. Criteria: GeneDx Variant Classification Process June 2021. Collection method: clinical testing. Allele origin: germline. Affected: yes.
Comment: Has not been previously published as pathogenic or benign to our knowledge; In silico analysis supports that this missense variant does not alter protein structure/function

Ambry Genetics
Classification: Uncertain significance for Familial thoracic aortic aneurysm and aortic dissection. Last evaluated: 2018-01-24. Review status: criteria provided, single submitter. Criteria: Ambry Variant Classification Scheme 2023. Collection method: clinical testing. Allele origin: germline.
Comment: The p.R455Q variant (also known as c.1364G>A), located in coding exon 10 of the MED12 gene, results from a G to A substitution at nucleotide position 1364. The arginine at codon 455 is replaced by glutamine, an amino acid with highly similar properties. This amino acid position is highly conserved in available vertebrate species. In addition, this alteration is predicted to be tolerated by in silico analysis. Since supporting evidence is limited at this time, the clinical significance of this alteration remains unclear.